The following is an entry in ClinVar:

NM_002291.3(LAMB1):c.5064+140C>A

Gene: LAMB1 (laminin subunit beta 1; minus strand). Cytogenetic location: 7q31.1.
Variant type: single nucleotide variant.
Coding change: c.5064+140C>A on transcript NM_002291.3 (MANE Select); 140 bases into the intron after coding-DNA position 5064, C replaced by A.
Molecular consequence: intron variant.
Genome position (GRCh38, 1-based): chr7:107,926,043, G>T on the plus strand (C>A on the coding strand, the complement: LAMB1 is on the minus strand). VCF-style: chr7-107926043-G-T. GRCh37 (hg19) VCF-style: chr7-107566488-G-T.
Identifiers: ClinVar variation 682981 (VCV000682981.1), dbSNP rs10232049, ClinGen allele CA15487122.

ClinVar aggregate classification (germline): Benign (1 of 4 stars; one submission).

Allele frequency attached by ClinVar (database versions not stated): 1000 Genomes Project 30x 0.72345; gnomAD 0.66137 and 0.66252; TOPMed 0.66818; 1000 Genomes Project 0.72025.
gnomAD v4.1: 386,584 of 614,938 alleles (63%); highest among the groups gnomAD compares: East Asian, 87%; 124,308 homozygotes.

Submission:

GeneDx
Classification: Benign. Last evaluated: 2018-06-19. Review status: criteria provided, single submitter. Criteria: GeneDx Variant Classification (06012015). Collection method: clinical testing. Allele origin: germline. Affected: yes.
Comment: This variant is considered likely benign or benign based on one or more of the following criteria: it is a conservative change, it occurs at a poorly conserved position in the protein, it is predicted to be benign by multiple in silico algorithms, and/or has population frequency not consistent with disease.